The following is an entry in ClinVar:

NM_001429.4(EP300):c.3589A>T (p.Arg1197Trp)

Gene: EP300 (EP300 lysine acetyltransferase; plus strand). Cytogenetic location: 22q13.2.
Variant type: single nucleotide variant.
Coding change: c.3589A>T on transcript NM_001429.4 (MANE Select); coding-DNA position 3589, A replaced by T.
Protein change: p.Arg1197Trp; replaces arginine 1197 with tryptophan.
Molecular consequence: missense variant.
Genome position (GRCh38, 1-based): chr22:41,158,499, A>T. VCF-style: chr22-41158499-A-T. GRCh37 (hg19) VCF-style: chr22-41554503-A-T.
Other names: c.3511A>T, p.Arg1171Trp (NM_001362843.2); short protein forms R1197W, R1171W.
Identifiers: ClinVar variation 1519083 (VCV001519083.8), dbSNP rs1340981566, ClinGen allele CA411695597.
Genomic context (GRCh38, chr22:41,158,499, plus strand): 5'-TGCTACGGCAAACAGTTGTGCACAATACCTCGTGATGCCACTTATTACAGTTACCAGAAC[A>T]GGTAAGCTTGGCCAGGTGTGGACCATGGTCCATGTGTCCACATGTCCAGGGAGTGCATGC-3'
Protein context (NP_001420.2, residues 1187-1207): RDATYYSYQN[Arg1197Trp]YHFCEKCFNE

ClinVar aggregate classification (germline): Likely pathogenic (1 of 4 stars; one submission).

Conditions:
Rubinstein-Taybi syndrome due to EP300 haploinsufficiency. Also called: EP300-Related Rubinstein-Taybi Syndrome; RUBINSTEIN-TAYBI SYNDROME 2. Identifiers: Orphanet 353284, Orphanet 783, MedGen C3150941, MONDO:0013364, OMIM 613684.

Submission:

Labcorp Genetics (formerly Invitae), Labcorp
Classification: Likely pathogenic for Rubinstein-Taybi syndrome due to EP300 haploinsufficiency. Last evaluated: 2021-02-25. Review status: criteria provided, single submitter. Criteria: Invitae Variant Classification Sherloc (09022015). Collection method: clinical testing. Allele origin: germline.
Comment: Algorithms developed to predict the effect of missense changes on protein structure and function (SIFT, PolyPhen-2, Align-GVGD) all suggest that this variant is likely to be disruptive, but these predictions have not been confirmed by published functional studies and their clinical significance is uncertain. In summary, the currently available evidence indicates that the variant is pathogenic, but additional data are needed to prove that conclusively. Therefore, this variant has been classified as Likely Pathogenic. This variant has been observed in individual(s) with clinical features of EP300-related conditions (Invitae). In at least one individual the variant was observed to be de novo. This variant is not present in population databases (ExAC no frequency). This sequence change replaces arginine with tryptophan at codon 1197 of the EP300 protein (p.Arg1197Trp). The arginine residue is highly conserved and there is a moderate physicochemical difference between arginine and tryptophan.